The following is an entry in ClinVar:

ClinVar aggregate classification (germline): Benign/Likely benign. Review status: criteria provided, multiple submitters, no conflicts (2 of 4 stars). 2 submissions from 2 submitters: Benign (1); Likely benign (1). Last evaluated 2018-01-13.

Conditions:
Retinitis pigmentosa (RP). Identifiers: Orphanet 791, MedGen C0035334, MeSH D012174, MONDO:0019200, OMIM 268000. Inheritance: Autosomal dominant, autosomal recessive and X linked inheritance.

Allele frequency attached by ClinVar (database versions not stated): 1000 Genomes Project 0.35204; 1000 Genomes Project 30x 0.35806; TOPMed 0.37420; gnomAD 0.37572 and 0.37643.
gnomAD v4.1: 278,478 of 745,638 alleles (37%); highest among the groups gnomAD compares: Admixed American, 50%; 54,467 homozygotes.

Submissions (2):

Illumina Laboratory Services, Illumina
Classification: Benign for Retinitis pigmentosa. Last evaluated: 2018-01-13. Review status: criteria provided, single submitter. Criteria: ICSL Variant Classification Criteria 13 December 2019. Collection method: clinical testing. Allele origin: germline.
Comment: This variant was observed in the ICSL laboratory as part of a predisposition screen in an ostensibly healthy population. It had not been previously curated by ICSL or reported in the Human Gene Mutation Database (HGMD: prior to June 1st, 2018), and was therefore a candidate for classification through an automated scoring system. Utilizing variant allele frequency, disease prevalence and penetrance estimates, and inheritance mode, an automated score was calculated to assess if this variant is too frequent to cause the disease. Based on the score and internal cut-off values, a variant classified as benign is not then subjected to further curation. The score for this variant resulted in a classification of benign for this disease.

Breakthrough Genomics
Classification: Likely benign. Review status: criteria provided, single submitter. Criteria: ACMG Guidelines, 2015. Collection method: not provided. Allele origin: germline. Inheritance: Autosomal recessive inheritance. Affected: yes.

NM_144631.6(ZNF513):c.*173C>T

Genes: SNX17 (sorting nexin 17; plus strand), ZNF513 (zinc finger protein 513; minus strand). Cytogenetic location: 2p23.3.
Variant type: single nucleotide variant.
Coding change: c.*173C>T on transcript NM_144631.6 (MANE Select); 173 bases downstream of the stop codon, C replaced by T.
Molecular consequence: 3 prime UTR variant. On other transcripts: non-coding transcript variant (7).
Genome position (GRCh38, 1-based): chr2:27,377,372, G>A on the plus strand (C>T on the coding strand, the complement: ZNF513 is on the minus strand). VCF-style: chr2-27377372-G-A. GRCh37 (hg19) VCF-style: chr2-27600239-G-A.
Other names: c.*173C>T (NM_001201459.2); c.*653G>A (NM_001267059.2, NM_001267060.2, NM_001267061.2 and 1 more transcripts).
Identifiers: ClinVar variation 335549 (VCV000335549.7), dbSNP rs13472, ClinGen allele CA10613075.